The following is an entry in ClinVar:

NM_001797.4(CDH11):c.1117T>A (p.Ser373Thr)

Gene: CDH11 (cadherin 11; minus strand). Cytogenetic location: 16q21.
Variant type: single nucleotide variant.
Coding change: c.1117T>A on transcript NM_001797.4 (MANE Select); coding-DNA position 1117, T replaced by A.
Protein change: p.Ser373Thr; replaces serine 373 with threonine.
Molecular consequence: missense variant.
Genome position (GRCh38, 1-based): chr16:64,982,184, A>T on the plus strand (T>A on the coding strand, the complement: CDH11 is on the minus strand). VCF-style: chr16-64982184-A-T. GRCh37 (hg19) VCF-style: chr16-65016087-A-T.
Other names: c.1117T>A, p.Ser373Thr (NM_001308392.2); c.739T>A, p.Ser247Thr (NM_001330576.2); short protein forms S247T, S373T.
Identifiers: ClinVar variation 3384532 (VCV003384532.1).

ClinVar aggregate classification (germline): Uncertain significance (1 of 4 stars; one submission).

gnomAD v4.1: 939 of 1,613,876 alleles (0.058%); highest among the groups gnomAD compares: Admixed American, 0.1%; no homozygotes.

Submission:

GeneDx
Classification: Uncertain significance. Last evaluated: 2024-06-05. Review status: criteria provided, single submitter. Criteria: GeneDx Variant Classification Process June 2021. Collection method: clinical testing. Allele origin: germline. Affected: yes.
Comment: In silico analysis indicates that this missense variant does not alter protein structure/function; Has not been previously published as pathogenic or benign to our knowledge